The following is an entry in ClinVar:

NM_000090.4(COL3A1):c.1430G>A (p.Gly477Glu)

Gene: COL3A1 (collagen type III alpha 1 chain; plus strand). Cytogenetic location: 2q32.2.
Variant type: single nucleotide variant.
Coding change: c.1430G>A on transcript NM_000090.4 (MANE Select); coding-DNA position 1430, G replaced by A.
Protein change: p.Gly477Glu; replaces glycine 477 with glutamic acid.
Molecular consequence: missense variant.
Genome position (GRCh38, 1-based): chr2:188,994,806, G>A. VCF-style: chr2-188994806-G-A. GRCh37 (hg19) VCF-style: chr2-189859532-G-A.
Other names: short protein forms G477E.
Identifiers: ClinVar variation 1525594 (VCV001525594.6), dbSNP rs2153502448, ClinGen allele CA349851905.

ClinVar aggregate classification (germline): Likely pathogenic (1 of 4 stars; one submission).

Conditions:
Ehlers-Danlos syndrome, type 4 (EDSVASC). Also called: Ehlers-Danlos syndrome vascular type; Ehlers Danlos syndrome, ecchymotic type; Ehlers Danlos syndrome, arterial type; Ehlers Danlos syndrome, Sack-Barabas type; Ehlers-Danlos Syndrome Type IV. Identifiers: Orphanet 286, MedGen C0268338, MONDO:0017314, OMIM 130050.

Submission:

Labcorp Genetics (formerly Invitae), Labcorp
Classification: Likely pathogenic for Ehlers-Danlos syndrome, type 4. Last evaluated: 2022-08-16. Review status: criteria provided, single submitter. Criteria: Invitae Variant Classification Sherloc (09022015). Collection method: clinical testing. Allele origin: germline.
Comment: Advanced modeling of protein sequence and biophysical properties (such as structural, functional, and spatial information, amino acid conservation, physicochemical variation, residue mobility, and thermodynamic stability) performed at Invitae indicates that this missense variant is expected to disrupt COL3A1 protein function. This sequence change replaces glycine, which is neutral and non-polar, with glutamic acid, which is acidic and polar, at codon 477 of the COL3A1 protein (p.Gly477Glu). This variant is not present in population databases (gnomAD no frequency). This missense change has been observed in individual(s) with clinical features of vascular Ehlers-Danlos syndrome (Invitae). ClinVar contains an entry for this variant (Variation ID: 1525594). This variant disrupts the triple helix domain of COL3A1. Glycine residues within the Gly-Xaa-Yaa repeats of the triple helix domain are required for the structure and stability of fibrillar collagens (PMID: 7695699, 8218237, 19344236). In COL3A1, variants that affect these glycine residues are significantly enriched in individuals with disease (PMID: 24922459, 25758994) compared to the general population (ExAC). This variant disrupts the p.Gly477 amino acid residue in COL3A1. Other variant(s) that disrupt this residue have been observed in individuals with COL3A1-related conditions (Invitae), which suggests that this may be a clinically significant amino acid residue. In summary, the currently available evidence indicates that the variant is pathogenic, but additional data are needed to prove that conclusively. Therefore, this variant has been classified as Likely Pathogenic.

Literature cited by the submitters: PubMed 7695699; PubMed 8218237; PubMed 19344236; PubMed 24922459; PubMed 25758994.